The following is an entry in ClinVar:

ClinVar aggregate classification (germline): Likely benign (0 of 4 stars; one submission).

Conditions:
TBCK-related disorder. Also called: TBCK-related disorders; TBCK-related condition.

Submission:

PreventionGenetics, part of Exact Sciences
Classification: Likely benign for TBCK-related condition. Last evaluated: 2021-10-18. Review status: no assertion criteria provided. Collection method: clinical testing. Allele origin: germline.
Comment: This variant is classified as likely benign based on ACMG/AMP sequence variant interpretation guidelines (Richards et al. 2015 PMID: 25741868, with internal and published modifications).

NM_001163435.3(TBCK):c.2060-9del

Gene: TBCK (TBC1 domain containing kinase; minus strand). Cytogenetic location: 4q24.
Variant type: Deletion.
Coding change: c.2060-9del on transcript NM_001163435.3 (MANE Select); 9 bases into the intron before coding-DNA position 2060, one base deleted (T; older notation c.2060-9delT).
Molecular consequence: intron variant.
Genome position (GRCh38, 1-based): chr4:106,171,279, A deleted on the plus strand (T on the coding strand, the reverse complement: TBCK is on the minus strand); the first of 3 consecutive A bases (chr4:106,171,279-106,171,281); deleting any one gives the same sequence. VCF-style (leftmost placement, unchanged base first): chr4-106171278-GA-G. GRCh37 (hg19) VCF-style: chr4-107092435-GA-G.
Other names: c.2060-9del (NM_001163436.4); c.1871-9del (NM_033115.5); c.1943-9del (NM_001163437.3); c.1544-9del (NM_001290768.2).
Identifiers: ClinVar variation 3029242 (VCV003029242.2), dbSNP rs2476657438, ClinGen allele CA2740091549.